The following is an entry in ClinVar:

ClinVar aggregate classification (germline): Uncertain significance. Review status: criteria provided, multiple submitters, no conflicts (2 of 4 stars). 3 submissions from 3 submitters: Uncertain significance (3). Last evaluated 2025-04-30.

Conditions:
Epidermolysis bullosa simplex 5C, with pyloric atresia (EBS5C). Also called: Epidermolysis bullosa simplex with pyloric atresia; PLEC-Related Epidermolysis Bullosa with Pyloric Atresia; PLEC1-Related Epidermolysis Bullosa with Pyloric Atresia. Identifiers: Orphanet 158684, MedGen C2677349, MONDO:0012807, OMIM 612138.
Epidermolysis bullosa simplex with nail dystrophy (EBS5D). Identifiers: MedGen C4225309, MONDO:0014661, OMIM 616487.
Epidermolysis bullosa simplex 5B, with muscular dystrophy (EBS5B). Also called: Epidermolysis bullosa simplex with muscular dystrophy; EPIDERMOLYSIS BULLOSA SIMPLEX AND LIMB-GIRDLE MUSCULAR DYSTROPHY. Identifiers: Orphanet 257, MedGen C2931072, MONDO:0009181, OMIM 226670.
Autosomal recessive limb-girdle muscular dystrophy type 2Q (LGMDR17). Also called: MUSCULAR DYSTROPHY, LIMB-GIRDLE, AUTOSOMAL RECESSIVE 17. Identifiers: Orphanet 254361, MedGen C3150989, MONDO:0013390, OMIM 613723.
Epidermolysis bullosa simplex, Ogna type (EBS5A). Also called: Pidermolysis bullosa simplex 5A, Ogna type; EPIDERMOLYSIS BULLOSA SIMPLEX 5A, OGNA TYPE. Identifiers: Orphanet 79401, MedGen C0432317, MONDO:0007555, OMIM 131950.
Inborn genetic diseases. Identifiers: MedGen C0950123, MeSH D030342.

Allele frequency attached by ClinVar (database versions not stated): gnomAD exomes 0.00002 and 0.00006; gnomAD 0.00004; ExAC 0.00006; ESP Exome Variant Server 0.00008.
gnomAD v4.1: 34 of 1,606,440 alleles (0.0021%); highest among the groups gnomAD compares: East Asian, 0.011%; no homozygotes.

Submissions (3):

Labcorp Genetics (formerly Invitae), Labcorp
Classification: Uncertain significance for Autosomal recessive limb-girdle muscular dystrophy type 2Q; Epidermolysis bullosa simplex, Ogna type; Epidermolysis bullosa simplex with nail dystrophy; Epidermolysis bullosa simplex 5C, with pyloric atresia; Epidermolysis bullosa simplex 5B, with muscular dystrophy. Last evaluated: 2025-04-30. Review status: criteria provided, single submitter. Criteria: Invitae Variant Classification Sherloc (09022015). Collection method: clinical testing. Allele origin: germline.
Comment: This sequence change replaces arginine, which is basic and polar, with cysteine, which is neutral and slightly polar, at codon 4271 of the PLEC protein (p.Arg4271Cys). This variant is present in population databases (rs373846655, gnomAD 0.03%). This missense change has been observed in individual(s) with muscle weakness (PMID: 36575883). This variant is also known as c.12634C>T. ClinVar contains an entry for this variant (Variation ID: 1398119). Invitae Evidence Modeling of protein sequence and biophysical properties (such as structural, functional, and spatial information, amino acid conservation, physicochemical variation, residue mobility, and thermodynamic stability) indicates that this missense variant is expected to disrupt PLEC protein function with a positive predictive value of 80%. In summary, the available evidence is currently insufficient to determine the role of this variant in disease. Therefore, it has been classified as a Variant of Uncertain Significance.

Ambry Genetics
Classification: Uncertain significance for Inborn genetic diseases. Last evaluated: 2024-01-23. Review status: criteria provided, single submitter. Criteria: Ambry Variant Classification Scheme 2023. Collection method: clinical testing. Allele origin: germline.

Revvity Omics, Revvity
Classification: Uncertain significance. Last evaluated: 2020-03-17. Review status: criteria provided, single submitter. Criteria: ACMG Guidelines, 2015. Collection method: clinical testing. Allele origin: germline.

Literature cited by the submitters: PubMed 36575883 (cited by Labcorp Genetics (formerly Invitae), Labcorp).

NM_201384.3(PLEC):c.12730C>T (p.Arg4244Cys)

Gene: PLEC (plectin; minus strand). Cytogenetic location: 8q24.3.
Variant type: single nucleotide variant.
Coding change: c.12730C>T on transcript NM_201384.3 (MANE Select); coding-DNA position 12730, C replaced by T.
Protein change: p.Arg4244Cys; replaces arginine 4244 with cysteine.
Molecular consequence: missense variant.
Genome position (GRCh38, 1-based): chr8:143,917,091, G>A on the plus strand (C>T on the coding strand, the complement: PLEC is on the minus strand). VCF-style: chr8-143917091-G-A. GRCh37 (hg19) VCF-style: chr8-144991259-G-A.
Other names: c.12811C>T (NM_000445.3); c.12811C>T, p.Arg4271Cys (NM_000445.5); c.12688C>T, p.Arg4230Cys (NM_201378.4); c.12664C>T, p.Arg4222Cys (NM_201379.3); c.13141C>T, p.Arg4381Cys (NM_201380.4); c.12634C>T, p.Arg4212Cys (NM_201381.3); c.12730C>T, p.Arg4244Cys (NM_201382.4); c.12742C>T, p.Arg4248Cys (NM_201383.3); short protein forms R4381C, R4222C, R4244C, R4212C, R4230C, R4248C, R4271C.
Identifiers: ClinVar variation 1398119 (VCV001398119.9), dbSNP rs373846655, ClinGen allele CA4923997.